The following is an entry in ClinVar:

ClinVar aggregate classification (germline): Uncertain significance (1 of 4 stars; one submission).

Submission:

Labcorp Genetics (formerly Invitae), Labcorp
Classification: Uncertain significance. Last evaluated: 2022-07-12. Review status: criteria provided, single submitter. Criteria: Invitae Variant Classification Sherloc (09022015). Collection method: clinical testing. Allele origin: germline.
Comment: This sequence change falls in intron 13 of the TRAF3IP1 gene. It does not directly change the encoded amino acid sequence of the TRAF3IP1 protein. It affects a nucleotide within the consensus splice site. This variant is not present in population databases (gnomAD no frequency). This variant has not been reported in the literature in individuals affected with TRAF3IP1-related conditions. ClinVar contains an entry for this variant (Variation ID: 1007849). Variants that disrupt the consensus splice site are a relatively common cause of aberrant splicing (PMID: 17576681, 9536098). Algorithms developed to predict the effect of sequence changes on RNA splicing suggest that this variant may disrupt the consensus splice site. In summary, the available evidence is currently insufficient to determine the role of this variant in disease. Therefore, it has been classified as a Variant of Uncertain Significance.

Literature cited by the submitters: PubMed 17576681; PubMed 9536098.

NM_015650.4(TRAF3IP1):c.1575+4A>G

Gene: TRAF3IP1 (TRAF3 interacting protein 1; plus strand). Cytogenetic location: 2q37.3.
Variant type: single nucleotide variant.
Coding change: c.1575+4A>G on transcript NM_015650.4 (MANE Select); 4 bases into the intron after coding-DNA position 1575, A replaced by G.
Molecular consequence: intron variant.
Genome position (GRCh38, 1-based): chr2:238,352,954, A>G. VCF-style: chr2-238352954-A-G. GRCh37 (hg19) VCF-style: chr2-239261595-A-G.
Other names: c.1377+4A>G (NM_001139490.1).
Identifiers: ClinVar variation 1007849 (VCV001007849.4), dbSNP rs906251339, ClinGen allele CA67957857.